The following is an entry in ClinVar:

ClinVar aggregate classification (germline): Pathogenic (1 of 4 stars; one submission).

Conditions:
Primary ciliary dyskinesia. Also called: Ciliary dyskinesia. Identifiers: Orphanet 244, MedGen C0008780, MONDO:0016575, HP:0012265.

Submission:

Labcorp Genetics (formerly Invitae), Labcorp
Classification: Pathogenic for Primary ciliary dyskinesia. Last evaluated: 2025-05-19. Review status: criteria provided, single submitter. Criteria: Invitae Variant Classification Sherloc (09022015). Collection method: clinical testing. Allele origin: germline.
Comment: This sequence change creates a premature translational stop signal (p.His102Glnfs*2) in the RSPH1 gene. It is expected to result in an absent or disrupted protein product. Loss-of-function variants in RSPH1 are known to be pathogenic (PMID: 23993197). This variant is not present in population databases (gnomAD no frequency). This variant has not been reported in the literature in individuals affected with RSPH1-related conditions. ClinVar contains an entry for this variant (Variation ID: 945089). For these reasons, this variant has been classified as Pathogenic.

Literature cited by the submitters: PubMed 23993197.

NM_080860.4(RSPH1):c.287_305dup (p.His102delinsGlnTer)

Gene: RSPH1 (radial spoke head component 1; minus strand). Cytogenetic location: 21q22.3.
Variant type: Duplication.
Coding change: c.287_305dup on transcript NM_080860.4 (MANE Select); coding-DNA positions 287 to 305, 19 bases duplicated (ATGACCTGCGGCACGGCCA).
Protein change: p.His102delinsGlnTer.
Molecular consequence: nonsense.
Genome position (GRCh38, 1-based): chr21:42,486,431-42,486,449, TGGCCGTGCCGCAGGTCAT duplicated on the plus strand (ATGACCTGCGGCACGGCCA on the coding strand, the reverse complement: RSPH1 is on the minus strand); duplicating any 19 consecutive bases within chr21:42,486,431-42,486,450 gives the same sequence; the c. name uses the placement nearest the transcript's 3' end. VCF-style (leftmost placement, unchanged base first): chr21-42486430-A-ATGGCCGTGCCGCAGGTCAT. GRCh37 (hg19) VCF-style: chr21-43906540-A-ATGGCCGTGCCGCAGGTCAT.
Other names: c.173_191dup, p.His64delinsGlnTer (NM_001286506.2).
Identifiers: ClinVar variation 945089 (VCV000945089.8), dbSNP rs2054181752, ClinGen allele CA1139666879.